The following is an entry in ClinVar:

ClinVar aggregate classification (germline): Uncertain significance (1 of 4 stars; one submission).

Conditions:
Hereditary cancer-predisposing syndrome. Also called: Neoplastic Syndromes, Hereditary; Tumor predisposition; Hereditary Cancer Syndrome; Hereditary neoplastic syndrome. Identifiers: Orphanet 140162, MedGen C0027672, MeSH D009386, MONDO:0015356.

Submission:

Ambry Genetics
Classification: Uncertain significance for Hereditary cancer-predisposing syndrome. Last evaluated: 2017-11-27. Review status: criteria provided, single submitter. Criteria: Ambry Variant Classification Scheme 2023. Collection method: clinical testing. Allele origin: germline.
Comment: The p.A737S variant (also known as c.2209G>T), located in coding exon 14 of the SMARCA4 gene, results from a G to T substitution at nucleotide position 2209. The alanine at codon 737 is replaced by serine, an amino acid with similar properties. This amino acid position is highly conserved in available vertebrate species. In addition, this alteration is predicted to be deleterious by in silico analysis. Since supporting evidence is limited at this time, the clinical significance of this alteration remains unclear.

NM_003072.5(SMARCA4):c.2209G>T (p.Ala737Ser)

Gene: SMARCA4 (SWI/SNF related BAF chromatin remodeling complex subunit ATPase 4; plus strand). Cytogenetic location: 19p13.2.
Variant type: single nucleotide variant.
Coding change: c.2209G>T on transcript NM_003072.5 (MANE Select); coding-DNA position 2209, G replaced by T.
Protein change: p.Ala737Ser; replaces alanine 737 with serine.
Molecular consequence: missense variant. On other transcripts: non-coding transcript variant (1).
Genome position (GRCh38, 1-based): chr19:11,010,466, G>T. VCF-style: chr19-11010466-G-T. GRCh37 (hg19) VCF-style: chr19-11121142-G-T.
Other names: c.2209G>T, p.Ala737Ser (NM_001128844.3, NM_001128845.2, NM_001128846.2 and 6 more transcripts); short protein forms A737S.
Identifiers: ClinVar variation 1787734 (VCV001787734.2), dbSNP rs2146236882, ClinGen allele CA404052837.
Genomic context (GRCh38, chr19:11,010,466, plus strand): 5'-GAATATGGCGTGTCCCAGGCCCTTGCACGTGGCCTGCAGTCCTACTATGCCGTGGCCCAT[G>T]CTGTCACTGAGAGAGTGGACAAGCAGTCAGCGCTTATGGTCAATGGTGTCCTCAAACAGT-3'
Protein context (NP_003063.2, residues 727-747): GLQSYYAVAH[Ala737Ser]VTERVDKQSA